The following is an entry in ClinVar:

NM_002709.3(PPP1CB):c.21C>A (p.Asn7Lys)

Gene: PPP1CB (protein phosphatase 1 catalytic subunit beta; plus strand). Cytogenetic location: 2p23.2.
Variant type: single nucleotide variant.
Coding change: c.21C>A on transcript NM_002709.3 (MANE Select); coding-DNA position 21, C replaced by A.
Protein change: p.Asn7Lys; replaces asparagine 7 with lysine.
Molecular consequence: missense variant.
Genome position (GRCh38, 1-based): chr2:28,752,145, C>A. VCF-style: chr2-28752145-C-A. GRCh37 (hg19) VCF-style: chr2-28975011-C-A.
Other names: c.21C>A, p.Asn7Lys (NM_206876.2); short protein forms N7K.
Identifiers: ClinVar variation 1353926 (VCV001353926.6), dbSNP rs1407095225, ClinGen allele CA346584371.

ClinVar aggregate classification (germline): Uncertain significance (1 of 4 stars; one submission).

Submission:

Labcorp Genetics (formerly Invitae), Labcorp
Classification: Uncertain significance. Last evaluated: 2021-11-27. Review status: criteria provided, single submitter. Criteria: Invitae Variant Classification Sherloc (09022015). Collection method: clinical testing. Allele origin: germline.
Comment: In summary, the available evidence is currently insufficient to determine the role of this variant in disease. Therefore, it has been classified as a Variant of Uncertain Significance. Algorithms developed to predict the effect of missense changes on protein structure and function are either unavailable or do not agree on the potential impact of this missense change (SIFT: "Deleterious"; PolyPhen-2: "Benign"; Align-GVGD: "Class C35"). This variant has not been reported in the literature in individuals affected with PPP1CB-related conditions. This variant is not present in population databases (gnomAD no frequency). This sequence change replaces asparagine, which is neutral and polar, with lysine, which is basic and polar, at codon 7 of the PPP1CB protein (p.Asn7Lys).